The following is an entry in ClinVar:

NM_001429.4(EP300):c.5267C>T (p.Pro1756Leu)

Gene: EP300 (E1A binding protein p300; plus strand). Cytogenetic location: 22q13.2.
Variant type: single nucleotide variant.
Coding change: c.5267C>T on transcript NM_001429.4 (MANE Select); coding-DNA position 5267, C replaced by T.
Protein change: p.Pro1756Leu; replaces proline 1756 with leucine.
Molecular consequence: missense variant.
Genome position (GRCh38, 1-based): chr22:41,176,978, C>T. VCF-style: chr22-41176978-C-T. GRCh37 (hg19) VCF-style: chr22-41572982-C-T.
Other names: c.5189C>T, p.Pro1730Leu (NM_001362843.2); short protein forms P1730L, P1756L.
Identifiers: ClinVar variation 3769723 (VCV003769723.1).

ClinVar aggregate classification (germline): Uncertain significance (1 of 4 stars; one submission).

gnomAD v4.1: 1 of 1,614,170 alleles (0.000062%); highest among the groups gnomAD compares: South Asian, 0.0011%; no homozygotes.

Submission:

GeneDx
Classification: Uncertain significance. Last evaluated: 2024-09-13. Review status: criteria provided, single submitter. Criteria: GeneDx Variant Classification Process June 2021. Collection method: clinical testing. Allele origin: germline. Affected: yes.
Comment: Not observed at significant frequency in large population cohorts (gnomAD); In silico analysis supports that this missense variant has a deleterious effect on protein structure/function; Has not been previously published as pathogenic or benign to our knowledge